The following is an entry in ClinVar:

NM_000492.4(CFTR):c.1680-870T>A

Gene: CFTR (CF transmembrane conductance regulator; plus strand). Cytogenetic location: 7q31.2.
Variant type: single nucleotide variant.
Coding change: c.1680-870T>A on transcript NM_000492.4 (MANE Select); 870 bases into the intron before coding-DNA position 1680, T replaced by A.
Molecular consequence: intron variant.
Genome position (GRCh38, 1-based): chr7:117,589,483, T>A. VCF-style: chr7-117589483-T-A. GRCh37 (hg19) VCF-style: chr7-117229537-T-A.
Identifiers: ClinVar variation 53332 (VCV000053332.30), dbSNP rs213965, ClinGen allele CA175545.

ClinVar aggregate classification (germline): Benign/Likely benign. Review status: criteria provided, multiple submitters, no conflicts (2 of 4 stars). 11 submissions from 11 submitters: Benign (8); Likely benign (1). 2 of the submissions do not count toward it. Last evaluated 2026-03-23.

Conditions:
CFTR-related disorder (CFTR-RD). Also called: CFTR-related condition; CFTR-related disorders. Identifiers: MedGen C5924204, MONDO:7770004.
Cystic fibrosis (CF). Also called: MUCOVISCIDOSIS. Identifiers: Orphanet 586, MedGen C0010674, MONDO:0009061, OMIM 219700. Disease mechanism: loss of function.

Allele frequency attached by ClinVar (database versions not stated): gnomAD 0.54635 and 0.55332; TOPMed 0.55480; 1000 Genomes Project 0.57328; 1000 Genomes Project 30x 0.58260.
gnomAD v4.1: 82,640 of 151,808 alleles (54%); highest among the groups gnomAD compares: African/African-American, 83%; 25,193 homozygotes.

Submissions (11):

Women's Health and Genetics/Laboratory Corporation of America, LabCorp
Classification: Benign. Last evaluated: 2026-03-23. Review status: criteria provided, single submitter. Criteria: LabCorp Variant Classification Summary - May 2015. Collection method: clinical testing. Allele origin: germline.
Comment: Variant summary: CFTR c.1680-870T>A is located at a position not widely known to affect splicing. Consensus agreement among computation tools predict no significant impact on normal splicing. However, these predictions have yet to be confirmed by functional studies. The variant allele was found at a frequency of 0.54 in 151808 control chromosomes, suggesting that it is the major allele and therefore benign. The observed variant frequency exceeds the estimated maximal expected allele frequency for disease-causing variants in CFTR. To our knowledge, no occurrence of c.1680-870T>A in individuals affected with CFTR-related conditions suggesting causality and no experimental evidence demonstrating a detrimental impact on protein function have been reported. ClinVar contains an entry for this variant (Variation ID: 53332). Based on the evidence outlined above, the variant was classified as benign.

Labcorp Genetics (formerly Invitae), Labcorp
Classification: Benign for Cystic fibrosis. Last evaluated: 2026-01-26. Review status: criteria provided, single submitter. Criteria: Invitae Variant Classification Sherloc (09022015). Collection method: clinical testing. Allele origin: germline.

Blueprint Genetics
Classification: Likely benign. Last evaluated: 2024-11-27. Review status: criteria provided, single submitter. Criteria: ACMG Guidelines, 2015. Collection method: clinical testing. Allele origin: germline.

Johns Hopkins Genomics, Johns Hopkins University
Classification: Benign for Cystic fibrosis. Last evaluated: 2024-08-17. Review status: criteria provided, single submitter. Criteria: ACMG Guidelines, 2015. Collection method: clinical testing. Allele origin: germline.
Comment: BA1

Quest Diagnostics Nichols Institute San Juan Capistrano
Classification: Benign. Last evaluated: 2022-04-28. Review status: criteria provided, single submitter. Criteria: Quest Diagnostics criteria. Collection method: clinical testing. Allele origin: unknown.

ARUP Laboratories, Molecular Genetics and Genomics, ARUP Laboratories
Classification: Benign. Last evaluated: 2019-12-26. Review status: criteria provided, single submitter. Criteria: ARUP Molecular Germline Variant Investigation Process. Collection method: clinical testing. Allele origin: germline.

CFTR-France
Classification: Benign for cystic fibrosis. Last evaluated: 2018-01-29. Review status: criteria provided, single submitter. Criteria: Claustres M et al. (Hum Mutat 2017). Collection method: curation. Allele origin: germline. Affected: yes and no.
Comment: the variant does not result in CFTR-RD neither

Ambry Genetics
Classification: Benign for Cystic fibrosis. Last evaluated: 2017-06-15. Review status: criteria provided, single submitter. Criteria: Ambry Variant Classification Scheme 2023. Collection method: clinical testing. Allele origin: germline.

Laboratory for Molecular Medicine, Mass General Brigham Personalized Medicine
Classification: Benign. Last evaluated: 2014-02-06. Review status: criteria provided, single submitter. Criteria: LMM Criteria. Collection method: clinical testing. Allele origin: germline. Observed: 66 variant alleles.
Comment: 1680-870T>A in intron 12 of CFTR: This variant is not expected to have clinical significance because it is not located within the conserved splice consensus seq uence. The A allele is the major allele but the frequency of the T allele is hig h enough to rule out a role in disease (A = 94.3%; 166/176 and T = 5.7% , 10/1 76 Yoruban chromosomes, 1000 Genomes Project (cts/SNP; dbSNP rs213965).

PreventionGenetics, part of Exact Sciences
Classification: Benign for CFTR-related condition. Last evaluated: 2021-11-19. Review status: no assertion criteria provided. Collection method: clinical testing. Allele origin: germline. Not counted in ClinVar's aggregate classification.
Comment: This variant is classified as benign based on ACMG/AMP sequence variant interpretation guidelines (Richards et al. 2015 PMID: 25741868, with internal and published modifications).

Natera, Inc.
Classification: Benign for Cystic Fibrosis. Last evaluated: 2020-09-16. Review status: no assertion criteria provided. Collection method: clinical testing. Allele origin: germline. Not counted in ClinVar's aggregate classification.